The following is an entry in ClinVar:

ClinVar aggregate classification (germline): Uncertain significance (1 of 4 stars; one submission).

Conditions:
Inborn genetic diseases. Identifiers: MedGen C0950123, MeSH D030342.

Allele frequency attached by ClinVar (database versions not stated): TOPMed below 0.00001; gnomAD 0.00001; gnomAD exomes 0.00001.
gnomAD v4.1: 21 of 1,613,588 alleles (0.0013%); highest among the groups gnomAD compares: Non-Finnish European, 0.0018%; no homozygotes.

Submission:

Ambry Genetics
Classification: Uncertain significance for Inborn genetic diseases. Last evaluated: 2023-11-28. Review status: criteria provided, single submitter. Criteria: Ambry Variant Classification Scheme 2023. Collection method: clinical testing. Allele origin: germline.
Comment: The p.E576D variant (also known as c.1728A>T), located in coding exon 18 of the ERCC2 gene, results from an A to T substitution at nucleotide position 1728. The glutamic acid at codon 576 is replaced by aspartic acid, an amino acid with highly similar properties. This amino acid position is conserved. In addition, the in silico prediction for this alteration is inconclusive. Since supporting evidence is limited at this time, the clinical significance of this alteration remains unclear.

NM_000400.4(ERCC2):c.1728A>T (p.Glu576Asp)

Gene: ERCC2 (ERCC excision repair 2, TFIIH core complex helicase subunit; minus strand). Cytogenetic location: 19q13.32.
Variant type: single nucleotide variant.
Coding change: c.1728A>T on transcript NM_000400.4 (MANE Select); coding-DNA position 1728, A replaced by T.
Protein change: p.Glu576Asp; replaces glutamic acid 576 with aspartic acid.
Molecular consequence: missense variant.
Genome position (GRCh38, 1-based): chr19:45,353,272, T>A on the plus strand (A>T on the coding strand, the complement: ERCC2 is on the minus strand). VCF-style: chr19-45353272-T-A. GRCh37 (hg19) VCF-style: chr19-45856530-T-A.
Other names: short protein forms E576D.
Identifiers: ClinVar variation 1778896 (VCV001778896.2), dbSNP rs1971889970, ClinGen allele CA406364408.